The following is an entry in ClinVar:

NM_001009999.3(KDM1A):c.831G>C (p.Glu277Asp)

Gene: KDM1A (lysine demethylase 1A; plus strand). Cytogenetic location: 1p36.12.
Variant type: single nucleotide variant.
Coding change: c.831G>C on transcript NM_001009999.3 (MANE Select); coding-DNA position 831, G replaced by C.
Protein change: p.Glu277Asp; replaces glutamic acid 277 with aspartic acid.
Molecular consequence: missense variant.
Genome position (GRCh38, 1-based): chr1:23,055,109, G>C. VCF-style: chr1-23055109-G-C. GRCh37 (hg19) VCF-style: chr1-23381602-G-C.
Other names: c.771G>C, p.Glu257Asp (NM_001363654.2, NM_001410763.1, NM_015013.4); c.831G>C, p.Glu277Asp (NM_001410762.1); short protein forms E277D, E257D.
Identifiers: ClinVar variation 5023061 (VCV005023061.1).
Genomic context (GRCh38, chr1:23,055,109, plus strand): 5'-TTAATCCACTTATTCTGTAGGTGATACTGTGCTTGTCCACCGAGTTCACAGTTATTTAGA[G>C]CGTCATGGTCTTATCAACTTCGGCATCTATAAGAGGATAAAACCCCTACCAAGTAAGGAC-3'
Protein context (NP_001009999.1, residues 267-287): VLVHRVHSYL[Glu277Asp]RHGLINFGIY

ClinVar aggregate classification (germline): Uncertain significance (1 of 4 stars; one submission).

Conditions:
Inborn genetic diseases. Identifiers: MedGen C0950123, MeSH D030342.

Submission:

Ambry Genetics
Classification: Uncertain significance for Inborn genetic diseases. Last evaluated: 2026-07-08. Review status: criteria provided, single submitter. Criteria: Ambry Variant Classification Scheme 2023. Collection method: clinical testing. Allele origin: germline.
Comment: The p.E277D variant (also known as c.831G>C), located in coding exon 6 of the KDM1A gene, results from a G to C substitution at nucleotide position 831. The glutamic acid at codon 277 is replaced by aspartic acid, an amino acid with highly similar properties. This amino acid position is conserved. In addition, the in silico prediction for this alteration is inconclusive. Based on the available evidence, the clinical significance of this variant remains unclear.